The following is an entry in ClinVar:

ClinVar aggregate classification (germline): Pathogenic. Review status: reviewed by expert panel (3 of 4 stars). 6 submissions from 5 submitters: Pathogenic (1). 5 of the submissions do not count toward it. Last evaluated 2022-08-08.

Conditions:
Mitochondrial disease. Also called: Mitochondrial disorder; Mitochondrial disorders. Identifiers: Orphanet 68380, MedGen C0751651, MeSH D028361, MONDO:0044970.
Palmoplantar keratoderma-deafness syndrome. Also called: Keratoderma palmoplantar, with deafness; Palmoplantar keratoderma and sensorineural deafness; Hereditary palmoplantar keratoderma with deafness (subtype); Focal palmoplantar keratoderma with sensorineural deafness (subtype); Diffuse palmoplantar keratoderma with deafness (subtype). Identifiers: Orphanet 2202, MedGen C1835672, MONDO:0007852, OMIM 148350.
Mitochondrial non-syndromic sensorineural hearing loss. Also called: Nonsyndromic Hearing Loss and Deafness, Mitochondrial. Identifiers: Orphanet 90641, MedGen C3151897, MONDO:0010779, OMIM 500008.
MELAS syndrome (MELAS). Also called: Juvenile myopathy, encephalopathy, lactic acidosis, stroke. Identifiers: Orphanet 550, MedGen C0162671, MONDO:0010789, OMIM 540000.

Submissions (6):

ClinGen Mitochondrial Disease Nuclear and Mitochondrial  Variant Curation Expert Panel, ClinGen
Classification: Pathogenic for Mitochondrial disease. Last evaluated: 2022-08-08. Review status: reviewed by expert panel. Criteria: McCormick et al. (Hum Mutat. 2020). Collection method: curation. Allele origin: germline. Inheritance: Mitochondrial inheritance.
Comment: The m.7445A>G variant is located in the MT-TS1 precursor, overlapping with MT-CO1 (Term514Term). This variant has been reported in at least 32 individuals with primary mitochondrial disease, and the only consistent reported feature in affected individuals was hearing loss (PS4; PMIDs: 8019558, 8572257, 9450881, 11069477, 11175301, 15620132, 16092542, 15987292, 23525847, 18537605, 22567359, 21621438, 30035268, 26328603, 29605341, 32169613). Some individuals with this variant have normal hearing, others have hearing loss following aminoglycoside exposure, and others have hearing loss and no known aminoglycoside exposure. The age of onset ranges from infancy to adulthood. The variant is primarily seen in the homoplasmic state however some individuals were reported to have low heteroplasmy levels in blood. Several extended families have been reported in the medical literature however family member testing was not performed or the variant was homoplasmic and thus prevented consideration for segregation evidence of pathogenicity. There are no reports of de novo occurrences in the medical literature to our knowledge however the presence of this variant in individuals from different haplogroups suggests this variant occurred de novo in the ancestors of these individuals of different backgrounds. Of note, another 137 elderly individuals were found to carry this variant in platelets with heteroplasmy levels >2%, and this was reported to significantly correlate with high frequency hearing loss (PMID: 26328603), however these cases were excluded from this curation given the lack of other clinical details. There is one occurrence of this variant in the Mitomap GenBank dataset, however this is from an individual with known mitochondrial disease. This variant is absent in gnomAD v3.1.2. There are six heteroplasmic occurrences in the Helix dataset. Although there are several occurrences, the frequency is still low (PM2_supporting). There are no in silico predictors for this type of variant in mitochondrial DNA. Cybrid studies supported the functional impact of this variant (PS3_supporting). One study showed a 60-70% reduction of steady state ND6 levels and 40-50% reduction of tRNASer (PMID: 15694374). Other cell line studies showed significantly reduced Complex I activity, with lesser reduction in Complex IV (P=0.05; PMID 29934116). Of note, there is one early cell line study that did not demonstrate any bioenergetic impact of this variant (PMID: 9247714). In summary, this variant meets criteria to be classified as likely pathogenic however this Expert Panel elected to modify the classification to pathogenic given the extent of cases with similar phenotypes from different ethnic backgrounds that have been reported, that is further supported by the evidence outlined above. Furthermore, the mitochondrial DNA variant specifications are known to not be optimized for variants that tend to be homoplasmic in nature and/or have reduced penetrance, such as the common mitochondrial variants associated with nonsyndromic hearing loss. This classification was approved by the NICHD/NINDS U24 ClinGen Mitochondrial Disease Variant Curation Expert Panel on August 8, 2022. Mitochondrial DNA-specific ACMG/AMP criteria applied (PMID: 32906214): PS4, PM2_supporting, PS3_supporting.

Mendelics
Classification: Pathogenic for Mitochondrial non-syndromic sensorineural hearing loss. Last evaluated: 2022-05-04. Review status: criteria provided, single submitter. Criteria: Mendelics Assertion Criteria 2019. Collection method: clinical testing. Allele origin: germline. Not counted in ClinVar's aggregate classification.

Wong Mito Lab, Molecular and Human Genetics, Baylor College of Medicine
Classification: Pathogenic for MELAS syndrome. Last evaluated: 2019-07-12. Review status: criteria provided, single submitter. Criteria: Modified ACMG Guidelines (Unpublished). Collection method: clinical testing. Allele origin: germline. Not counted in ClinVar's aggregate classification.
Comment: The NC_012920.1:m.7445A>G variant in MT-TS1 gene is interpreted to be a Pathogenic variant based on the modified ACMG guidelines (unpublished). This variant meets the following evidence codes reported in the guidelines: PS3, PS5

OMIM
Classification: Pathogenic for KERATODERMA, PALMOPLANTAR, WITH DEAFNESS. Last evaluated: 2001-01-01. Review status: no assertion criteria provided. Collection method: literature only. Allele origin: germline. Not counted in ClinVar's aggregate classification.

OMIM
Classification: Pathogenic for DEAFNESS, NONSYNDROMIC SENSORINEURAL, MITOCHONDRIAL. Last evaluated: 2001-01-01. Review status: no assertion criteria provided. Collection method: literature only. Allele origin: germline. Not counted in ClinVar's aggregate classification.

GeneReviews
No classification provided. Condition: Mitochondrial non-syndromic sensorineural hearing loss. Review status: no classification provided. Collection method: literature only. Allele origin: maternal. Not counted in ClinVar's aggregate classification.

Literature cited by the submitters: PubMed 31965079 (cited by Wong Mito Lab, Molecular and Human Genetics, Baylor College of Medicine); PubMed 8019558 (cited by 3 submitters); PubMed 7219534 (cited by OMIM); PubMed 7987332 (cited by OMIM); PubMed 8572257 (cited by OMIM); PubMed 9450881 (cited by OMIM); PubMed 6213205 (cited by OMIM); PubMed 127819 (cited by OMIM); PubMed 9742104 (cited by OMIM); PubMed 11069477 (cited by OMIM); PubMed 11175301 (cited by OMIM); PubMed 20301595 (cited by GeneReviews).

NC_012920.1(MT-TS1):m.7445A>G

Genes: MT-CO1 (mitochondrially encoded cytochrome c oxidase I; plus strand), MT-TS1 (mitochondrially encoded tRNA serine 1 (UCN); minus strand).
Variant type: single nucleotide variant.
Genome position: chrM-7445-A-G.
Other names: 7445A-G.
Identifiers: ClinVar variation 9563 (VCV000009563.11), dbSNP rs199474818, ClinGen allele CA120547.